The following is an entry in ClinVar:

NM_002439.5(MSH3):c.3339G>A (p.Met1113Ile)

Gene: MSH3 (mutS homolog 3; plus strand). Cytogenetic location: 5q14.1.
Variant type: single nucleotide variant.
Coding change: c.3339G>A on transcript NM_002439.5 (MANE Select); coding-DNA position 3339, G replaced by A.
Protein change: p.Met1113Ile; replaces methionine 1113 with isoleucine.
Molecular consequence: missense variant.
Genome position (GRCh38, 1-based): chr5:80,875,787, G>A. VCF-style: chr5-80875787-G-A. GRCh37 (hg19) VCF-style: chr5-80171606-G-A.
Other names: short protein forms M1113I.
Identifiers: ClinVar variation 850412 (VCV000850412.11), dbSNP rs145769847, ClinGen allele CA3328527.

ClinVar aggregate classification (germline): Conflicting classifications of pathogenicity. Review status: criteria provided, conflicting classifications (1 of 4 stars). 3 submissions from 3 submitters: Uncertain significance (2); Likely benign (1). Last evaluated 2025-01-29.

Conditions:
Hereditary cancer-predisposing syndrome. Also called: Tumor predisposition; Neoplastic Syndromes, Hereditary; Hereditary neoplastic syndrome; Hereditary Cancer Syndrome. Identifiers: Orphanet 140162, MedGen C0027672, MeSH D009386, MONDO:0015356.

Allele frequency attached by ClinVar (database versions not stated): gnomAD exomes below 0.00001 and 0.00001; ExAC 0.00001; gnomAD 0.00001; TOPMed 0.00001; ESP Exome Variant Server 0.00008.

Submissions (3):

Labcorp Genetics (formerly Invitae), Labcorp
Classification: Uncertain significance. Last evaluated: 2025-01-29. Review status: criteria provided, single submitter. Criteria: Invitae Variant Classification Sherloc (09022015). Collection method: clinical testing. Allele origin: germline.
Comment: This sequence change replaces methionine, which is neutral and non-polar, with isoleucine, which is neutral and non-polar, at codon 1113 of the MSH3 protein (p.Met1113Ile). This variant is present in population databases (rs145769847, gnomAD 0.003%). This variant has not been reported in the literature in individuals affected with MSH3-related conditions. ClinVar contains an entry for this variant (Variation ID: 850412). An algorithm developed to predict the effect of missense changes on protein structure and function outputs the following: PolyPhen-2: "Benign". The isoleucine amino acid residue is found in multiple mammalian species, which suggests that this missense change does not adversely affect protein function. In summary, the available evidence is currently insufficient to determine the role of this variant in disease. Therefore, it has been classified as a Variant of Uncertain Significance.

GeneDx
Classification: Uncertain significance. Last evaluated: 2023-02-08. Review status: criteria provided, single submitter. Criteria: GeneDx Variant Classification Process June 2021. Collection method: clinical testing. Allele origin: germline. Affected: yes.
Comment: Not observed at significant frequency in large population cohorts (gnomAD); In silico analysis supports that this missense variant does not alter protein structure/function; Has not been previously published as pathogenic or benign to our knowledge

Ambry Genetics
Classification: Likely benign for Hereditary cancer-predisposing syndrome. Last evaluated: 2021-04-26. Review status: criteria provided, single submitter. Criteria: Ambry Variant Classification Scheme 2023. Collection method: clinical testing. Allele origin: germline.